The following is an entry in ClinVar:

NM_002202.3(ISL1):c.306C>T (p.Ile102=)

Gene: ISL1 (ISL LIM homeobox 1; plus strand). Cytogenetic location: 5q11.1.
Variant type: single nucleotide variant.
Coding change: c.306C>T on transcript NM_002202.3 (MANE Select); coding-DNA position 306, C replaced by T.
Protein change: p.Ile102=; no amino-acid change (isoleucine 102 retained).
Molecular consequence: synonymous variant.
Genome position (GRCh38, 1-based): chr5:51,387,577, C>T. VCF-style: chr5-51387577-C-T. GRCh37 (hg19) VCF-style: chr5-50683411-C-T.
Identifiers: ClinVar variation 4984915 (VCV004984915.1).

ClinVar aggregate classification (germline): Likely benign (1 of 4 stars; one submission).

Conditions:
ISL1-related disorder. Also called: ISL1-related condition.

gnomAD v4.1: 6 of 1,614,128 alleles (0.00037%); highest among the groups gnomAD compares: African/African-American, 0.0067%; no homozygotes.

Submission:

PreventionGenetics, part of Exact Sciences
Classification: Likely benign for ISL1-related condition. Last evaluated: 2025-08-19. Review status: criteria provided, single submitter. Criteria: ACMG Guidelines, 2015. Collection method: clinical testing. Allele origin: germline.
Comment: This variant is classified as likely benign based on ACMG/AMP sequence variant interpretation guidelines (Richards et al. 2015 PMID: 25741868, with internal and published modifications).